The following is an entry in ClinVar:

ClinVar aggregate classification (germline): Uncertain significance (1 of 4 stars; one submission).

Submission:

GeneDx
Classification: Uncertain significance. Last evaluated: 2025-05-21. Review status: criteria provided, single submitter. Criteria: GeneDx Variant Classification Process June 2021. Collection method: clinical testing. Allele origin: germline. Affected: yes.
Comment: Not observed at significant frequency in large population cohorts (gnomAD); In silico analysis suggests that this missense variant does not alter protein structure/function; Has not been previously published as pathogenic or benign to our knowledge

NM_001145026.2(PTPRQ):c.4867T>C (p.Tyr1623His)

Gene: PTPRQ (protein tyrosine phosphatase receptor type Q; plus strand). Cytogenetic location: 12q21.31.
Variant type: single nucleotide variant.
Coding change: c.4867T>C on transcript NM_001145026.2 (MANE Select); coding-DNA position 4867, T replaced by C.
Protein change: p.Tyr1623His; replaces tyrosine 1623 with histidine.
Molecular consequence: missense variant.
Genome position (GRCh38, 1-based): chr12:80,610,574, T>C. VCF-style: chr12-80610574-T-C. GRCh37 (hg19) VCF-style: chr12-81004353-T-C.
Other names: short protein forms Y1623H.
Identifiers: ClinVar variation 4530975 (VCV004530975.1).